The following is an entry in ClinVar:

NM_001009944.3(PKD1):c.4722C>T (p.Ala1574=)

Gene: PKD1 (polycystin 1, transient receptor potential channel interacting; minus strand). Cytogenetic location: 16p13.3.
Variant type: single nucleotide variant.
Coding change: c.4722C>T on transcript NM_001009944.3 (MANE Select); coding-DNA position 4722, C replaced by T.
Protein change: p.Ala1574=; no amino-acid change (alanine 1574 retained).
Molecular consequence: synonymous variant.
Genome position (GRCh38, 1-based): chr16:2,110,445, G>A on the plus strand (C>T on the coding strand, the complement: PKD1 is on the minus strand). VCF-style: chr16-2110445-G-A. GRCh37 (hg19) VCF-style: chr16-2160446-G-A.
Other names: c.4722C>T, p.Ala1574= (NM_000296.4).
Identifiers: ClinVar variation 3056964 (VCV003056964.2), dbSNP rs375044150, ClinGen allele CA7832273.
Genomic context (GRCh38, chr16:2,110,445, plus strand): 5'-ACCCCCAGGGATGGGCGTGCAGCGGTCACAGAGCACCCAGGAATAGCGCACATCACTGCC[G>A]GCCTCCAGCGACGTGCTGAAGCTCACGCTCCCATTCAGGGGCACCACCGTGCGGCTTGCA-3'
Protein context (NP_001009944.3, residues 1564-1584): GSVSFSTSLE[Ala1574=]GSDVRYSWVL

ClinVar aggregate classification (germline): Likely benign (0 of 4 stars; one submission).

Conditions:
PKD1-related disorder. Also called: PKD1-related condition.

Allele frequency attached by ClinVar (database versions not stated): ExAC 0.00003; gnomAD 0.00003; TOPMed 0.00003; ESP Exome Variant Server 0.00008.
gnomAD v4.1: 26 of 1,612,458 alleles (0.0016%); highest among the groups gnomAD compares: African/African-American, 0.0053%; no homozygotes.

Submission:

PreventionGenetics, part of Exact Sciences
Classification: Likely benign for PKD1-related condition. Last evaluated: 2022-06-21. Review status: no assertion criteria provided. Collection method: clinical testing. Allele origin: germline.
Comment: This variant is classified as likely benign based on ACMG/AMP sequence variant interpretation guidelines (Richards et al. 2015 PMID: 25741868, with internal and published modifications).